The following is an entry in ClinVar:

ClinVar aggregate classification (germline): Uncertain significance. Review status: criteria provided, multiple submitters, no conflicts (2 of 4 stars). 2 submissions from 2 submitters: Uncertain significance (2). Last evaluated 2024-11-18.

Conditions:
Hereditary cancer-predisposing syndrome. Also called: Neoplastic Syndromes, Hereditary; Hereditary neoplastic syndrome; Tumor predisposition; Hereditary Cancer Syndrome. Identifiers: Orphanet 140162, MedGen C0027672, MeSH D009386, MONDO:0015356.
Mitochondrial complex II deficiency, nuclear type 1. Also called: SUCCINATE CoQ REDUCTASE DEFICIENCY. Identifiers: Orphanet 3208, MedGen C5700310, MONDO:0100294, OMIM 252011.
Pheochromocytoma/paraganglioma syndrome 5. Also called: Paragangliomas 5; SDHA-Related Hereditary Paraganglioma-Pheochromocytoma Syndrome. Identifiers: Orphanet 29072, MedGen C3279992, MONDO:0013602, OMIM 614165.

gnomAD v4.1: 1 of 1,461,852 alleles (0.000068%); no homozygotes.

Submissions (2):

Labcorp Genetics (formerly Invitae), Labcorp
Classification: Uncertain significance for Pheochromocytoma/paraganglioma syndrome 5; Mitochondrial complex II deficiency, nuclear type 1. Last evaluated: 2024-11-18. Review status: criteria provided, single submitter. Criteria: Invitae Variant Classification Sherloc (09022015). Collection method: clinical testing. Allele origin: germline.
Comment: This sequence change replaces glycine, which is neutral and non-polar, with arginine, which is basic and polar, at codon 3 of the SDHA protein (p.Gly3Arg). This variant is not present in population databases (gnomAD no frequency). This variant has not been reported in the literature in individuals affected with SDHA-related conditions. ClinVar contains an entry for this variant (Variation ID: 858972). Invitae Evidence Modeling of protein sequence and biophysical properties (such as structural, functional, and spatial information, amino acid conservation, physicochemical variation, residue mobility, and thermodynamic stability) indicates that this missense variant is not expected to disrupt SDHA protein function with a negative predictive value of 95%. In summary, the available evidence is currently insufficient to determine the role of this variant in disease. Therefore, it has been classified as a Variant of Uncertain Significance.

Ambry Genetics
Classification: Uncertain significance for Hereditary cancer-predisposing syndrome. Last evaluated: 2024-02-27. Review status: criteria provided, single submitter. Criteria: Ambry Variant Classification Scheme 2023. Collection method: clinical testing. Allele origin: germline.
Comment: The p.G3R variant (also known as c.7G>C), located in coding exon 1 of the SDHA gene, results from a G to C substitution at nucleotide position 7. The glycine at codon 3 is replaced by arginine, an amino acid with dissimilar properties. This amino acid position is well conserved in available vertebrate species. In addition, this alteration is predicted to be tolerated by in silico analysis. Since supporting evidence is limited at this time, the clinical significance of this alteration remains unclear.

NM_004168.4(SDHA):c.7G>C (p.Gly3Arg)

Gene: SDHA (succinate dehydrogenase complex flavoprotein subunit A; plus strand). Cytogenetic location: 5p15.33.
Variant type: single nucleotide variant.
Coding change: c.7G>C on transcript NM_004168.4 (MANE Select); coding-DNA position 7, G replaced by C.
Protein change: p.Gly3Arg; replaces glycine 3 with arginine.
Molecular consequence: missense variant.
Genome position (GRCh38, 1-based): chr5:218,362, G>C. VCF-style: chr5-218362-G-C. GRCh37 (hg19) VCF-style: chr5-218477-G-C.
Other names: c.7G>C, p.Gly3Arg (NM_001294332.2, NM_001330758.2); short protein forms G3R.
Identifiers: ClinVar variation 858972 (VCV000858972.12), dbSNP rs756415935, ClinGen allele CA359007246.